The following is an entry in ClinVar:

NM_001330723.2(SNX27):c.1324G>A (p.Val442Ile)

Gene: SNX27 (sorting nexin 27; plus strand). Cytogenetic location: 1q21.3.
Variant type: single nucleotide variant.
Coding change: c.1324G>A on transcript NM_001330723.2 (MANE Select); coding-DNA position 1324, G replaced by A.
Protein change: p.Val442Ile; replaces valine 442 with isoleucine.
Molecular consequence: missense variant.
Genome position (GRCh38, 1-based): chr1:151,692,519, G>A. VCF-style: chr1-151692519-G-A. GRCh37 (hg19) VCF-style: chr1-151664995-G-A.
Other names: c.1324G>A, p.Val442Ile (NM_030918.6); short protein forms V442I.
Identifiers: ClinVar variation 462808 (VCV000462808.13), dbSNP rs149937418, ClinGen allele CA1093642.
Genomic context (GRCh38, chr1:151,692,519, plus strand): 5'-GAGGGCTACAATGAAATCATCTTTCCCCACTGTGCCTGTGACTCCAGGAGGAAGGGGCAC[G>A]TTATCACAGCCATCAGCATCACGCACTTTAAACTGCATGCCTGCACTGAAGAAGGACAGC-3'
Protein context (NP_001317652.1, residues 432-452): CACDSRRKGH[Val442Ile]ITAISITHFK

ClinVar aggregate classification (germline): Uncertain significance. Review status: criteria provided, multiple submitters, no conflicts (2 of 4 stars). 2 submissions from 2 submitters: Uncertain significance (2). Last evaluated 2024-10-01.

Conditions:
Inborn genetic diseases. Identifiers: MedGen C0950123, MeSH D030342.
Severe myoclonic epilepsy in infancy (DRVT). Also called: Dravet syndrome; Epileptic encephalopathy, early infantile, 6 (Dravet syndrome); SEVERE MYOCLONIC EPILEPSY OF INFANCY; DEVELOPMENTAL AND EPILEPTIC ENCEPHALOPATHY 6A; Severe Myoclonic Epilepsy in Infancy (SMEI). Identifiers: Orphanet 33069, MedGen C0751122, MONDO:0100135, OMIM 607208.

Allele frequency attached by ClinVar (database versions not stated): gnomAD exomes 0.00002; ExAC 0.00003; gnomAD 0.00003 and 0.00004; TOPMed 0.00005; ESP Exome Variant Server 0.00008.
gnomAD v4.1: 34 of 1,587,032 alleles (0.0021%); highest among the groups gnomAD compares: African/African-American, 0.0069%; no homozygotes.

Submissions (2):

Ambry Genetics
Classification: Uncertain significance for Inborn genetic diseases. Last evaluated: 2024-10-01. Review status: criteria provided, single submitter. Criteria: Ambry Variant Classification Scheme 2023. Collection method: clinical testing. Allele origin: germline.

Labcorp Genetics (formerly Invitae), Labcorp
Classification: Uncertain significance for Severe myoclonic epilepsy in infancy. Last evaluated: 2022-06-13. Review status: criteria provided, single submitter. Criteria: Invitae Variant Classification Sherloc (09022015). Collection method: clinical testing. Allele origin: germline.
Comment: This sequence change replaces valine, which is neutral and non-polar, with isoleucine, which is neutral and non-polar, at codon 442 of the SNX27 protein (p.Val442Ile). This variant is present in population databases (rs149937418, gnomAD 0.02%). In summary, the available evidence is currently insufficient to determine the role of this variant in disease. Therefore, it has been classified as a Variant of Uncertain Significance. Algorithms developed to predict the effect of missense changes on protein structure and function are either unavailable or do not agree on the potential impact of this missense change (SIFT: "Deleterious"; PolyPhen-2: "Benign"; Align-GVGD: "Class C0"). ClinVar contains an entry for this variant (Variation ID: 462808). This variant has not been reported in the literature in individuals affected with SNX27-related conditions.